The following is an entry in ClinVar:

NM_004984.4(KIF5A):c.698T>A (p.Leu233Gln)

Gene: KIF5A (kinesin family member 5A; plus strand). Cytogenetic location: 12q13.3.
Variant type: single nucleotide variant.
Coding change: c.698T>A on transcript NM_004984.4 (MANE Select); coding-DNA position 698, T replaced by A.
Protein change: p.Leu233Gln; replaces leucine 233 with glutamine.
Molecular consequence: missense variant.
Genome position (GRCh38, 1-based): chr12:57,567,602, T>A. VCF-style: chr12-57567602-T-A. GRCh37 (hg19) VCF-style: chr12-57961385-T-A.
Other names: c.431T>A, p.Leu144Gln (NM_001354705.2); short protein forms L144Q, L233Q.
Identifiers: ClinVar variation 973760 (VCV000973760.2), dbSNP rs1594915468, ClinGen allele CA385499530.

ClinVar aggregate classification (germline): Likely pathogenic (1 of 4 stars; one submission).

Conditions:
Hereditary spastic paraplegia 10 (SPG10). Also called: SPASTIC PARAPLEGIA 10 WITH OR WITHOUT PERIPHERAL NEUROPATHY; SPASTIC PARAPLEGIA 10 WITH PERIPHERAL NEUROPATHY; SPASTIC PARAPLEGIA 10, AUTOSOMAL DOMINANT. Identifiers: Orphanet 100991, MedGen C1858712, MONDO:0011408, OMIM 604187.

Submission:

Institute for Medical Genetics and Human Genetics, Charité - Universitätsmedizin Berlin
Classification: Likely pathogenic for Hereditary spastic paraplegia 10. Review status: criteria provided, single submitter. Criteria: ACMG Guidelines, 2015. Collection method: clinical testing. Allele origin: de novo. Inheritance: Autosomal dominant inheritance. Affected: yes. Observed: 1 heterozygote.
Comment: The KIF5A gene codes for the protein kinesin heavy chain isoform 5A, which belongs to the kinesin family. Mutations in the KIF5A gene cause the clinical picture of autosomal dominant spastic paraplegia type 10 (MIM # 604187) (Reid et al. 2002). To date, more than 60 mutations in the KIF5A gene have been described as causative, including approximately 50 missense mutations (HMGD Professional 2019.1). Spastic paraplegia type 10 is an autosomal dominant neurological disease with variable phenotype and variable clinical onset of symptoms. Clinical manifestations include spasticity of the lower and upper extremities, hyperreflexia, muscle weakness, muscle cramps and gait disorders. Some patients show mainly axonal sensomotoric peripheral neuropathy with distal sensory impairment and distal muscular atrophy (Liu et al, 2014). In rare cases, additional neurological features have been described in patients with KIF5A mutations, such as cognitive impairment. The sequence variant c.698T>A leads to the exchange of the highly conserved amino acid leucine to glutamic acid at position 233. This exchange is classified as pathogenic by several prediction programs. The variant has not been described in ExAC or gnomAD so far. The mutation is located in the switch region II of the motor domain of the protein. Missense mutations of the adjacent amino acids have already been described as the cause of type 10 spastic paraplegia (Crimella et al, 2011). Assuming that the genotype fits well with the patient's phenotype, we classify the variant as probably pathogenic (class IV) according to the current state of knowledge. A further indication for the pathogenicity of the variant would be the co-segregation within the family.